The following is an entry in ClinVar:

ClinVar aggregate classification (germline): Uncertain significance (1 of 4 stars; one submission).

Conditions:
Hereditary nonpolyposis colorectal neoplasms. Identifiers: MedGen C0009405, MeSH D003123.

Submission:

Labcorp Genetics (formerly Invitae), Labcorp
Classification: Uncertain significance for Hereditary nonpolyposis colorectal neoplasms. Last evaluated: 2022-08-29. Review status: criteria provided, single submitter. Criteria: Invitae Variant Classification Sherloc (09022015). Collection method: clinical testing. Allele origin: germline.
Comment: This sequence change replaces arginine, which is basic and polar, with proline, which is neutral and non-polar, at codon 295 of the PMS2 protein (p.Arg295Pro). This variant is not present in population databases (gnomAD no frequency). This variant has not been reported in the literature in individuals affected with PMS2-related conditions. Advanced modeling of protein sequence and biophysical properties (such as structural, functional, and spatial information, amino acid conservation, physicochemical variation, residue mobility, and thermodynamic stability) performed at Invitae indicates that this missense variant is expected to disrupt PMS2 protein function. In summary, the available evidence is currently insufficient to determine the role of this variant in disease. Therefore, it has been classified as a Variant of Uncertain Significance.

NM_000535.7(PMS2):c.884G>C (p.Arg295Pro)

Gene: PMS2 (PMS1 homolog 2, mismatch repair system component; minus strand). Cytogenetic location: 7p22.1.
Variant type: single nucleotide variant.
Coding change: c.884G>C on transcript NM_000535.7 (MANE Select); coding-DNA position 884, G replaced by C.
Protein change: p.Arg295Pro; replaces arginine 295 with proline.
Molecular consequence: missense variant. On other transcripts: non-coding transcript variant (1), 5 prime UTR variant (2).
Genome position (GRCh38, 1-based): chr7:5,995,553, C>G on the plus strand (G>C on the coding strand, the complement: PMS2 is on the minus strand). VCF-style: chr7-5995553-C-G. GRCh37 (hg19) VCF-style: chr7-6035184-C-G.
Other names: c.566G>C, p.Arg189Pro (NM_001406903.1, NM_001322007.2, NM_001322008.2 and 4 more transcripts); c.371G>C, p.Arg124Pro (NM_001406904.1, NM_001406905.1); c.479G>C, p.Arg160Pro (NM_001406906.1, NM_001406907.1, NM_001406908.1 and 20 more transcripts); c.311G>C, p.Arg104Pro (NM_001406909.1, NM_001322013.2); c.884G>C, p.Arg295Pro (NM_001322006.2, NM_001322014.2, NM_001406870.1 and 2 more transcripts); c.-50G>C (NM_001322011.2, NM_001322012.2); c.575G>C, p.Arg192Pro (NM_001322015.2, NM_001406875.1, NM_001406877.1 and 6 more transcripts); c.1070G>C, p.Arg357Pro (NM_001406866.1); and 4 more; short protein forms R104P, R124P, R160P, R183P, R189P, R192P, R239P, R259P.
Identifiers: ClinVar variation 1718292 (VCV001718292.5), dbSNP rs369763423, ClinGen allele CA366743431.